The following is an entry in ClinVar:

ClinVar aggregate classification (germline): Conflicting classifications of pathogenicity. Review status: criteria provided, conflicting classifications (1 of 4 stars). 10 submissions from 10 submitters: Uncertain significance (6); Likely benign (4). Last evaluated 2026-09-17.

Conditions:
Chuvash polycythemia. Also called: POLYCYTHEMIA, VHL-DEPENDENT. Identifiers: Orphanet 238557, MedGen C1837915, MONDO:0009892, OMIM 263400.
Hereditary cancer-predisposing syndrome. Also called: Neoplastic Syndromes, Hereditary; Hereditary Cancer Syndrome; Tumor predisposition; Hereditary neoplastic syndrome. Identifiers: Orphanet 140162, MedGen C0027672, MeSH D009386, MONDO:0015356.
Von Hippel-Lindau syndrome (VHLS). Also called: von Hippel–Lindau syndrome; Von Hippel-Lindau; VHL syndrome. Identifiers: Orphanet 892, MedGen C0019562, MONDO:0008667, OMIM 193300. Disease mechanism: loss of function.
VHL-related disorder. Also called: VHL-related condition.

Submissions (10):

PreventionGenetics, part of Exact Sciences
Classification: Likely benign for VHL-related condition. Last evaluated: 2026-09-17. Review status: criteria provided, single submitter. Criteria: ACMG Guidelines, 2015. Collection method: clinical testing. Allele origin: germline.
Comment: This variant is classified as likely benign based on ACMG/AMP sequence variant interpretation guidelines (Richards et al. 2015 PMID: 25741868, with internal and published modifications).

Labcorp Genetics (formerly Invitae), Labcorp
Classification: Likely benign for Von Hippel-Lindau syndrome; Chuvash polycythemia. Last evaluated: 2025-02-05. Review status: criteria provided, single submitter. Criteria: Invitae Variant Classification Sherloc (09022015). Collection method: clinical testing. Allele origin: germline.

Blueprint Genetics
Classification: Uncertain significance. Last evaluated: 2024-11-07. Review status: criteria provided, single submitter. Criteria: ACMG Guidelines, 2015. Collection method: clinical testing. Allele origin: germline.

Color Diagnostics, LLC DBA Color Health
Classification: Uncertain significance for Von Hippel-Lindau syndrome. Last evaluated: 2024-04-18. Review status: criteria provided, single submitter. Criteria: ACMG Guidelines, 2015. Collection method: clinical testing. Allele origin: germline.
Comment: This variant inserts 11 nucleotides in the 5' untranslated region of the VHL gene between c.-52 and c.-51, which overlaps with the minimal VHL promoter defined in a transcription report assay (PMID: 12114475). A carrier of this variant has been shown to have reduced but not fully disrupted VHL expression (PMID: 30006056). This variant has been identified in 3/31312 chromosomes in the general population by the Genome Aggregation Database (gnomAD). The available evidence is insufficient to determine the role of this variant in disease conclusively. Therefore, this variant is classified as a Variant of Uncertain Significance.

Genomic Medicine Center of Excellence, King Faisal Specialist Hospital and Research Centre
Classification: Uncertain significance for Chuvash polycythemia. Last evaluated: 2024-04-04. Review status: criteria provided, single submitter. Criteria: ACMG Guidelines, 2015. Collection method: clinical testing. Allele origin: germline.

CeGaT Center for Human Genetics Tuebingen
Classification: Likely benign. Last evaluated: 2023-03-01. Review status: criteria provided, single submitter. Criteria: CeGaT Center For Human Genetics Tuebingen Variant Classification Criteria Version 2. Collection method: clinical testing. Allele origin: germline. Affected: yes. Observed: 2 variant alleles.
Comment: VHL: BS1

Sema4
Classification: Uncertain significance for Hereditary cancer-predisposing syndrome. Last evaluated: 2021-11-27. Review status: criteria provided, single submitter. Criteria: Sema4 Curation Guidelines. Collection method: curation. Allele origin: germline.
Comment: The VHL c.-61_-51dup variant has been reported in the literature in an individual with clear cell renal cell carcinoma (PMID:30006056). This variant was observed in 2/15384 chromosomes in the European(non-Finnish) population according to the Genome Aggregation Database (PMID: 32461654), and has been reported in ClinVar (Variation ID 517152). The evidence is insufficient to meet ACMG/AMP criteria for classifying the variant as benign or pathogenic. Thus, the clinical significance of this variant is currently uncertain.

Genetic Services Laboratory, University of Chicago
Classification: Uncertain significance. Last evaluated: 2021-01-07. Review status: criteria provided, single submitter. Criteria: ACMG Guidelines, 2015. Collection method: clinical testing. Allele origin: germline. Affected: no.
Comment: DNA sequence analysis of the VHL gene demonstrated an 11 base pair duplication in the 5' untranslated region, c.-61_-51dup. Western blotting and VHL transcript analysis showed milder reduction of VHL gene expression. This sequence change has been described in the gnomAD with a low population frequency of 0.0096% (dbSNP rs529928317). The functional significance of this sequence change is not clearly established at present and its contribution to this patient's disease phenotype cannot definitively be determined.

GeneDx
Classification: Likely benign. Last evaluated: 2019-10-16. Review status: criteria provided, single submitter. Criteria: GeneDx Variant Classification Process June 2021. Collection method: clinical testing. Allele origin: germline. Affected: yes.
Comment: This variant is associated with the following publications: (PMID: 30006056, 29790589)

Laboratory for Molecular Medicine, Mass General Brigham Personalized Medicine
Classification: Uncertain significance. Last evaluated: 2014-12-10. Review status: criteria provided, single submitter. Criteria: LMM Criteria. Collection method: clinical testing. Allele origin: germline. Observed: 2 variant alleles.
Comment: Data from large population studies is insufficient to assess the frequency of this variant. This variant is located in the 5' untrans lated region (UTR) and variants in regulatory regions could have an effect on tr anscriptional or translational efficiency. Studies have shown that sequence alte rations in this region may alter VHL transcription (Zatyka 2002) and our laborat ory has identified a 5' UTR deletion variant in VHL overlapping with this region that segregated with disease in multiple affected individuals (LMM unpublished data). However, in the absence of additional information, further data is needed to fully assess the clinical significance of this variant.

Literature cited by the submitters: PubMed 12114475 (cited by Color Diagnostics, LLC DBA Color Health and Laboratory for Molecular Medicine, Mass General Brigham Personalized Medicine); PubMed 30006056 (cited by Color Diagnostics, LLC DBA Color Health and Sema4).

NM_000551.4(VHL):c.-61_-51dup

Gene: VHL (von Hippel-Lindau tumor suppressor; plus strand). Cytogenetic location: 3p25.3.
Variant type: Duplication.
Coding change: c.-61_-51dup on transcript NM_000551.4 (MANE Select); 61 bases upstream of the start codon through 51 bases upstream of the start codon, 11 bases duplicated (CCCCGCGTCCG).
Molecular consequence: 5 prime UTR variant.
Genome position (GRCh38, 1-based): chr3:10,141,787-10,141,797, CCCCGCGTCCG duplicated; duplicating any 11 consecutive bases within chr3:10,141,783-10,141,797 gives the same sequence; the c. name uses the placement nearest the transcript's 3' end. VCF-style (leftmost placement, unchanged base first): chr3-10141782-C-CTCCGCCCCGCG. GRCh37 (hg19) VCF-style: chr3-10183466-C-CTCCGCCCCGCG.
Other names: c.-61_-51dup (NM_001354723.2, NM_198156.3).
Identifiers: ClinVar variation 517152 (VCV000517152.56), dbSNP rs727503743, ClinGen allele CA179625.